The following is an entry in ClinVar:

NM_001267550.2(TTN):c.70714C>T (p.Gln23572Ter)

Genes: TTN (titin; minus strand), TTN-AS1 (TTN antisense RNA 1; plus strand). Cytogenetic location: 2q31.2.
Variant type: single nucleotide variant.
Coding change: c.70714C>T on transcript NM_001267550.2 (MANE Select); coding-DNA position 70714, C replaced by T.
Protein change: p.Gln23572Ter; replaces glutamine 23572 with a stop codon.
Molecular consequence: nonsense.
Genome position (GRCh38, 1-based): chr2:178,575,418, G>A on the plus strand (C>T on the coding strand, the complement: TTN is on the minus strand). VCF-style: chr2-178575418-G-A. GRCh37 (hg19) VCF-style: chr2-179440145-G-A.
Other names: c.65791C>T, p.Gln21931Ter (NM_001256850.1); c.43519C>T, p.Gln14507Ter (NM_003319.4); c.63010C>T, p.Gln21004Ter (NM_133378.4); c.43894C>T, p.Gln14632Ter (NM_133432.3); c.44095C>T, p.Gln14699Ter (NM_133437.4); short protein forms Q21931*, Q23572*, Q14699*, Q21004*, Q14507*, Q14632*.
Identifiers: ClinVar variation 620460 (VCV000620460.11), dbSNP rs1559449398, ClinGen allele CA349661692.

ClinVar aggregate classification (germline): Pathogenic/Likely pathogenic. Review status: criteria provided, multiple submitters, no conflicts (2 of 4 stars). 3 submissions from 3 submitters: Pathogenic (1); Likely pathogenic (1). 1 of the submissions does not count toward it. Last evaluated 2023-11-09.

Conditions:
Autosomal recessive limb-girdle muscular dystrophy type 2J (LGMDR10). Also called: Limb-girdle muscular dystrophy, type 2J; MUSCULAR DYSTROPHY, LIMB-GIRDLE, AUTOSOMAL RECESSIVE 10. Identifiers: Orphanet 140922, MedGen C1837342, MONDO:0012127, OMIM 608807.
Dilated cardiomyopathy 1G (CMD1G). Identifiers: Orphanet 154, MedGen C1858763, MONDO:0011400, OMIM 604145.

Allele frequency attached by ClinVar (database versions not stated): gnomAD exomes below 0.00001.
gnomAD v4.1: 1 of 1,613,562 alleles (0.000062%); no homozygotes.

Submissions (3):

Labcorp Genetics (formerly Invitae), Labcorp
Classification: Likely pathogenic for Dilated cardiomyopathy 1G; Autosomal recessive limb-girdle muscular dystrophy type 2J. Last evaluated: 2023-11-09. Review status: criteria provided, single submitter. Criteria: Invitae Variant Classification Sherloc (09022015). Collection method: clinical testing. Allele origin: germline.
Comment: This sequence change creates a premature translational stop signal (p.Gln23572*) in the TTN gene. While this is not anticipated to result in nonsense mediated decay, it is expected to create a truncated TTN protein. This variant is not present in population databases (gnomAD no frequency). This variant has not been reported in the literature in individuals affected with TTN-related conditions. ClinVar contains an entry for this variant (Variation ID: 620460). This variant is located in the A band of TTN (PMID: 25589632). Truncating variants in this region are significantly overrepresented in patients affected with dilated cardiomyopathy (PMID: 25589632). Truncating variants in this region have also been reported in individuals affected with autosomal recessive centronuclear myopathy (PMID: 23975875). In summary, the currently available evidence indicates that the variant is pathogenic, but additional data are needed to prove that conclusively. Therefore, this variant has been classified as Likely Pathogenic.

GeneDx
Classification: Pathogenic. Last evaluated: 2019-11-26. Review status: criteria provided, single submitter. Criteria: GeneDx Variant Classification Process June 2021. Collection method: clinical testing. Allele origin: germline. Affected: yes.
Comment: Has not been previously published as pathogenic or benign to our knowledge; Not observed in large population cohorts (Lek et al., 2016); Nonsense variant predicted to result in protein truncation or nonsense mediated decay in a gene for which loss-of-function is a known mechanism of disease; Located in the A-band region of titin, where the majority of truncating pathogenic variants associated with DCM have been reported (Herman et al., 2012)

Cardiogenetics and Myogenetics Molecular and Cellular Functional Unit, Aphp Sorbonne University-Hopital Pitie Salpetriere
Classification: Likely pathogenic for Dilated cardiomyopathy 1G. Last evaluated: 2024-01-06. Review status: no assertion criteria provided. Collection method: clinical testing. Allele origin: germline. Affected: yes. Not counted in ClinVar's aggregate classification.

Literature cited by the submitters: PubMed 25589632 (cited by Labcorp Genetics (formerly Invitae), Labcorp); PubMed 23975875 (cited by Labcorp Genetics (formerly Invitae), Labcorp).